The following is an entry in ClinVar:

NM_004082.5(DCTN1):c.843+9C>T

Gene: DCTN1 (dynactin subunit 1; minus strand). Cytogenetic location: 2p13.1.
Variant type: single nucleotide variant.
Coding change: c.843+9C>T on transcript NM_004082.5 (MANE Select); 9 bases into the intron after coding-DNA position 843, C replaced by T.
Molecular consequence: intron variant.
Genome position (GRCh38, 1-based): chr2:74,370,970, G>A on the plus strand (C>T on the coding strand, the complement: DCTN1 is on the minus strand). VCF-style: chr2-74370970-G-A. GRCh37 (hg19) VCF-style: chr2-74598097-G-A.
Other names: c.732+9C>T (NM_001190836.2); c.774+9C>T (NM_001378992.1); c.792+9C>T (NM_001378991.1); c.783+9C>T (NM_001135040.3); c.822+9C>T (NM_001190837.2); c.441+9C>T (NM_001135041.3, NM_023019.4); c.843+9C>T (NM_004082.4).
Identifiers: ClinVar variation 1131103 (VCV001131103.11), dbSNP rs1031141306, ClinGen allele CA50477152.

ClinVar aggregate classification (germline): Likely benign. Review status: criteria provided, single submitter (1 of 4 stars). 2 submissions from 2 submitters: Likely benign (1). 1 of the submissions does not count toward it. Last evaluated 2025-11-11.

Conditions:
DCTN1-related disorder. Also called: DCTN1-related condition.
Amyotrophic lateral sclerosis type 1 (ALS1). Also called: AMYOTROPHIC LATERAL SCLEROSIS 1, FAMILIAL. Identifiers: Orphanet 803, MedGen C1862939, MONDO:0007103, OMIM 105400.
Neuronopathy, distal hereditary motor, type 7B. Also called: NEURONOPATHY, DISTAL HEREDITARY MOTOR, AUTOSOMAL DOMINANT 14; NEURONOPATHY, DISTAL HEREDITARY MOTOR, HARDING TYPE VIIB; NEUROPATHY, DISTAL HEREDITARY MOTOR, HARDING TYPE VIIB; NEUROPATHY, DISTAL HEREDITARY MOTOR, WITH VOCAL CORD PARALYSIS, HARDING TYPE VIIB; HMN VIIB; LOWER MOTOR NEURON DISEASE, DYNACTIN TYPE. Identifiers: Orphanet 139589, MedGen C1843315, MONDO:0011879, OMIM 607641.
Perry syndrome. Also called: PARKINSONISM WITH ALVEOLAR HYPOVENTILATION AND MENTAL DEPRESSION. Identifiers: Orphanet 178509, MedGen C1868594, MONDO:0008201, OMIM 168605.

Allele frequency attached by ClinVar (database versions not stated): gnomAD 0.00001; gnomAD exomes 0.00001; TOPMed 0.00002.
gnomAD v4.1: 14 of 1,613,616 alleles (0.00087%); highest among the groups gnomAD compares: African/African-American, 0.0013%; no homozygotes.

Submissions (2):

Labcorp Genetics (formerly Invitae), Labcorp
Classification: Likely benign for Amyotrophic lateral sclerosis type 1; Neuronopathy, distal hereditary motor, type 7B; Perry syndrome. Last evaluated: 2025-11-11. Review status: criteria provided, single submitter. Criteria: Invitae Variant Classification Sherloc (09022015). Collection method: clinical testing. Allele origin: germline.

PreventionGenetics, part of Exact Sciences
Classification: Likely benign for DCTN1-related condition. Last evaluated: 2022-01-13. Review status: no assertion criteria provided. Collection method: clinical testing. Allele origin: germline. Not counted in ClinVar's aggregate classification.
Comment: This variant is classified as likely benign based on ACMG/AMP sequence variant interpretation guidelines (Richards et al. 2015 PMID: 25741868, with internal and published modifications).